The following is an entry in ClinVar:

NM_018249.6(CDK5RAP2):c.2477C>T (p.Thr826Ile)

Gene: CDK5RAP2 (CDK5 regulatory subunit associated protein 2; minus strand). Cytogenetic location: 9q33.2.
Variant type: single nucleotide variant.
Coding change: c.2477C>T on transcript NM_018249.6 (MANE Select); coding-DNA position 2477, C replaced by T.
Protein change: p.Thr826Ile; replaces threonine 826 with isoleucine.
Molecular consequence: missense variant. On other transcripts: non-coding transcript variant (5), intron variant (1).
Genome position (GRCh38, 1-based): chr9:120,453,772, G>A on the plus strand (C>T on the coding strand, the complement: CDK5RAP2 is on the minus strand). VCF-style: chr9-120453772-G-A. GRCh37 (hg19) VCF-style: chr9-123216050-G-A.
Other names: c.2477C>T, p.Thr826Ile (NM_001011649.3); c.2378C>T, p.Thr793Ile (NM_001410992.1); c.2381C>T, p.Thr794Ile (NM_001410993.1); c.2474C>T, p.Thr825Ile (NM_001410994.1); c.2104-5646C>T (NM_001272039.2); short protein forms T793I, T794I, T825I, T826I.
Identifiers: ClinVar variation 3611110 (VCV003611110.2).

ClinVar aggregate classification (germline): Uncertain significance (1 of 4 stars; one submission).

Submission:

Labcorp Genetics (formerly Invitae), Labcorp
Classification: Uncertain significance. Last evaluated: 2024-03-09. Review status: criteria provided, single submitter. Criteria: Invitae Variant Classification Sherloc (09022015). Collection method: clinical testing. Allele origin: germline.
Comment: This sequence change replaces threonine, which is neutral and polar, with isoleucine, which is neutral and non-polar, at codon 826 of the CDK5RAP2 protein (p.Thr826Ile). This variant is not present in population databases (gnomAD no frequency). This variant has not been reported in the literature in individuals affected with CDK5RAP2-related conditions. An algorithm developed to predict the effect of missense changes on protein structure and function (PolyPhen-2) suggests that this variant is likely to be tolerated. In summary, the available evidence is currently insufficient to determine the role of this variant in disease. Therefore, it has been classified as a Variant of Uncertain Significance.